The following is an entry in ClinVar:

ClinVar aggregate classification (germline): Uncertain significance (1 of 4 stars; one submission).

Submission:

GeneDx
Classification: Uncertain significance. Last evaluated: 2023-07-17. Review status: criteria provided, single submitter. Criteria: GeneDx Variant Classification Process June 2021. Collection method: clinical testing. Allele origin: germline. Affected: yes.
Comment: Not observed at significant frequency in large population cohorts (gnomAD); In silico analysis supports that this missense variant has a deleterious effect on protein structure/function; Has not been previously published as pathogenic or benign to our knowledge; Variants in candidate genes are classified as variants of uncertain significance in accordance with ACMG guidelines (Richards et al., 2015)

NM_001079843.3(CASZ1):c.1834T>G (p.Cys612Gly)

Gene: CASZ1 (castor zinc finger 1; minus strand). Cytogenetic location: 1p36.22.
Variant type: single nucleotide variant.
Coding change: c.1834T>G on transcript NM_001079843.3 (MANE Select); coding-DNA position 1834, T replaced by G.
Protein change: p.Cys612Gly; replaces cysteine 612 with glycine.
Molecular consequence: missense variant.
Genome position (GRCh38, 1-based): chr1:10,654,423, A>C on the plus strand (T>G on the coding strand, the complement: CASZ1 is on the minus strand). VCF-style: chr1-10654423-A-C. GRCh37 (hg19) VCF-style: chr1-10714480-A-C.
Other names: c.1834T>G, p.Cys612Gly (NM_017766.5); short protein forms C612G.
Identifiers: ClinVar variation 3361261 (VCV003361261.1).
Genomic context (GRCh38, chr1:10,654,423, plus strand): 5'-CCTTGCCTTCCCTCCCCGCTTCTGCCCACGAAGGCCCCCACCAGGCTCCCGCTTACCTGC[A>C]GTGGAAGTGCGTGGTCTTCTGTCCGTAGAACTGGCAGTCGGCTGTGCCACAGTCTTCGGT-3'
Protein context (NP_001073312.1, residues 602-622): FYGQKTTHFH[Cys612Gly]RRPGCTFTFK